The following is an entry in ClinVar:

ClinVar aggregate classification (germline): Uncertain significance (1 of 4 stars; one submission).

Allele frequency attached by ClinVar (database versions not stated): gnomAD exomes below 0.00001.
gnomAD v4.1: 2 of 1,614,204 alleles (0.00012%); highest among the groups gnomAD compares: Non-Finnish European, 0.000085%; no homozygotes.

Submission:

Ambry Genetics
Classification: Uncertain significance. Last evaluated: 2021-11-22. Review status: criteria provided, single submitter. Criteria: Ambry Variant Classification Scheme 2023. Collection method: clinical testing. Allele origin: germline.
Comment: The p.Y132C variant (also known as c.395A>G), located in coding exon 2 of the GALNT12 gene, results from an A to G substitution at nucleotide position 395. The tyrosine at codon 132 is replaced by cysteine, an amino acid with highly dissimilar properties. This amino acid position is conserved. In addition, the in silico prediction for this alteration is inconclusive. Since supporting evidence is limited at this time, the clinical significance of this alteration remains unclear.

NM_024642.5(GALNT12):c.395A>G (p.Tyr132Cys)

Gene: GALNT12 (polypeptide N-acetylgalactosaminyltransferase 12; plus strand). Cytogenetic location: 9q22.33.
Variant type: single nucleotide variant.
Coding change: c.395A>G on transcript NM_024642.5 (MANE Select); coding-DNA position 395, A replaced by G.
Protein change: p.Tyr132Cys; replaces tyrosine 132 with cysteine.
Molecular consequence: missense variant.
Genome position (GRCh38, 1-based): chr9:98,823,279, A>G. VCF-style: chr9-98823279-A-G. GRCh37 (hg19) VCF-style: chr9-101585561-A-G.
Other names: short protein forms Y132C.
Identifiers: ClinVar variation 1736493 (VCV001736493.2), dbSNP rs2490492017, ClinGen allele CA374216532.